The following is an entry in ClinVar:

ClinVar aggregate classification (germline): Benign/Likely benign. Review status: criteria provided, multiple submitters, no conflicts (2 of 4 stars). 5 submissions from 5 submitters: Benign (1); Likely benign (3). 1 of the submissions does not count toward it. Last evaluated 2025-10-14.

Conditions:
IARS2-related disorder. Also called: IARS2-related condition.

Allele frequency attached by ClinVar (database versions not stated): TOPMed 0.00097; ESP Exome Variant Server 0.00123; 1000 Genomes Project 30x 0.00234; 1000 Genomes Project 0.00240.
gnomAD v4.1: 290 of 1,613,522 alleles (0.018%); highest among the groups gnomAD compares: African/African-American, 0.29%; 1 homozygote.

Submissions (5):

Labcorp Genetics (formerly Invitae), Labcorp
Classification: Benign. Last evaluated: 2025-10-14. Review status: criteria provided, single submitter. Criteria: Invitae Variant Classification Sherloc (09022015). Collection method: clinical testing. Allele origin: germline.

Blueprint Genetics
Classification: Likely benign. Last evaluated: 2024-11-01. Review status: criteria provided, single submitter. Criteria: ACMG Guidelines, 2015. Collection method: clinical testing. Allele origin: germline.

GeneDx
Classification: Likely benign. Last evaluated: 2018-12-10. Review status: criteria provided, single submitter. Criteria: GeneDx Variant Classification Process June 2021. Collection method: clinical testing. Allele origin: germline. Affected: yes.

Breakthrough Genomics
Classification: Likely benign. Review status: criteria provided, single submitter. Criteria: ACMG Guidelines, 2015. Collection method: not provided. Allele origin: germline. Inheritance: Autosomal recessive inheritance. Affected: yes.

PreventionGenetics, part of Exact Sciences
Classification: Likely benign for IARS2-related condition. Last evaluated: 2019-10-01. Review status: no assertion criteria provided. Collection method: clinical testing. Allele origin: germline. Not counted in ClinVar's aggregate classification.
Comment: This variant is classified as likely benign based on ACMG/AMP sequence variant interpretation guidelines (Richards et al. 2015 PMID: 25741868, with internal and published modifications).

NM_018060.4(IARS2):c.1215G>A (p.Ala405=)

Gene: IARS2 (isoleucyl-tRNA synthetase 2, mitochondrial; plus strand). Cytogenetic location: 1q41.
Variant type: single nucleotide variant.
Coding change: c.1215G>A on transcript NM_018060.4 (MANE Select); coding-DNA position 1215, G replaced by A.
Protein change: p.Ala405=; no amino-acid change (alanine 405 retained).
Molecular consequence: synonymous variant.
Genome position (GRCh38, 1-based): chr1:220,106,039, G>A. VCF-style: chr1-220106039-G-A. GRCh37 (hg19) VCF-style: chr1-220279381-G-A.
Identifiers: ClinVar variation 1211935 (VCV001211935.14), dbSNP rs138462058, ClinGen allele CA1401344.